The following is an entry in ClinVar:

NM_170675.5(MEIS2):c.210C>A (p.Asn70Lys)

Gene: MEIS2 (Meis homeobox 2; minus strand). Cytogenetic location: 15q14.
Variant type: single nucleotide variant.
Coding change: c.210C>A on transcript NM_170675.5 (MANE Select); coding-DNA position 210, C replaced by A.
Protein change: p.Asn70Lys; replaces asparagine 70 with lysine.
Molecular consequence: missense variant. On other transcripts: 5 prime UTR variant (1), non-coding transcript variant (1).
Genome position (GRCh38, 1-based): chr15:37,098,002, G>T on the plus strand (C>A on the coding strand, the complement: MEIS2 is on the minus strand). VCF-style: chr15-37098002-G-T. GRCh37 (hg19) VCF-style: chr15-37390203-G-T.
Other names: c.210C>A, p.Asn70Lys (NM_001220482.2, NM_170674.5, NM_170676.5 and 1 more transcripts); c.171C>A, p.Asn57Lys (NM_002399.4, NM_172315.3); c.-32C>A (NM_172316.3); short protein forms N57K, N70K.
Identifiers: ClinVar variation 4540366 (VCV004540366.1).

ClinVar aggregate classification (germline): Uncertain significance (1 of 4 stars; one submission).

gnomAD v4.1: 1 of 1,610,014 alleles (0.000062%); highest among the groups gnomAD compares: Non-Finnish European, 0.000085%; no homozygotes.

Submission:

GeneDx
Classification: Uncertain significance. Last evaluated: 2025-06-24. Review status: criteria provided, single submitter. Criteria: GeneDx Variant Classification Process June 2021. Collection method: clinical testing. Allele origin: germline. Affected: yes.
Comment: Not observed at significant frequency in large population cohorts (gnomAD); In silico analysis suggests that this missense variant does not alter protein structure/function; Has not been previously published as pathogenic or benign to our knowledge